The following is an entry in ClinVar:

NM_024408.4(NOTCH2):c.1598T>C (p.Ile533Thr)

Gene: NOTCH2 (notch receptor 2; minus strand). Cytogenetic location: 1p12.
Variant type: single nucleotide variant.
Coding change: c.1598T>C on transcript NM_024408.4 (MANE Select); coding-DNA position 1598, T replaced by C.
Protein change: p.Ile533Thr; replaces isoleucine 533 with threonine.
Molecular consequence: missense variant.
Genome position (GRCh38, 1-based): chr1:119,965,536, A>G on the plus strand (T>C on the coding strand, the complement: NOTCH2 is on the minus strand). VCF-style: chr1-119965536-A-G. GRCh37 (hg19) VCF-style: chr1-120508159-A-G.
Other names: c.1598T>C, p.Ile533Thr (NM_001200001.2); short protein forms I533T.
Identifiers: ClinVar variation 2733974 (VCV002733974.3), dbSNP rs1651103498, ClinGen allele CA341875467.

ClinVar aggregate classification (germline): Uncertain significance (1 of 4 stars; one submission).

Conditions:
Hajdu-Cheney syndrome (HJCYS). Also called: ACROOSTEOLYSIS WITH OSTEOPOROSIS AND CHANGES IN SKULL AND MANDIBLE; SERPENTINE FIBULA-POLYCYSTIC KIDNEY SYNDROME; Acroosteolysis dominant type. Identifiers: Orphanet 955, MedGen C0917715, MONDO:0007057, OMIM 102500.

Allele frequency attached by ClinVar (database versions not stated): TOPMed below 0.00001; gnomAD 0.00001; gnomAD exomes 0.00001.
gnomAD v4.1: 8 of 1,613,942 alleles (0.0005%); highest among the groups gnomAD compares: Non-Finnish European, 0.00068%; no homozygotes.

Submission:

Labcorp Genetics (formerly Invitae), Labcorp
Classification: Uncertain significance for Hajdu-Cheney syndrome. Last evaluated: 2023-07-28. Review status: criteria provided, single submitter. Criteria: Invitae Variant Classification Sherloc (09022015). Collection method: clinical testing. Allele origin: germline.
Comment: This sequence change replaces isoleucine, which is neutral and non-polar, with threonine, which is neutral and polar, at codon 533 of the NOTCH2 protein (p.Ile533Thr). This variant is not present in population databases (gnomAD no frequency). This missense change has been observed in individual(s) with left renal agenesis (PMID: 29100090). Advanced modeling of protein sequence and biophysical properties (such as structural, functional, and spatial information, amino acid conservation, physicochemical variation, residue mobility, and thermodynamic stability) performed at Invitae indicates that this missense variant is not expected to disrupt NOTCH2 protein function. In summary, the available evidence is currently insufficient to determine the role of this variant in disease. Therefore, it has been classified as a Variant of Uncertain Significance.

Literature cited by the submitters: PubMed 29100090.